The following is an entry in ClinVar:

NM_005982.4(SIX1):c.253dup (p.Gln85fs)

Gene: SIX1 (SIX homeobox 1; minus strand). Cytogenetic location: 14q23.1.
Variant type: Duplication.
Coding change: c.253dup on transcript NM_005982.4 (MANE Select); coding-DNA position 253, one base duplicated (C; older notation c.253dupC).
Protein change: p.Gln85fs; shifts the reading frame from glutamine 85.
Molecular consequence: frameshift variant.
Genome position (GRCh38, 1-based): chr14:60,648,937, G duplicated on the plus strand (C on the coding strand, the reverse complement: SIX1 is on the minus strand). VCF-style (leftmost placement, unchanged base first): chr14-60648936-T-TG. GRCh37 (hg19) VCF-style: chr14-61115654-T-TG.
Other names: c.253dup, p.Gln85fs (NM_001425142.1); short protein forms Q85fs.
Identifiers: ClinVar variation 3777461 (VCV003777461.1).

ClinVar aggregate classification (germline): Uncertain significance (1 of 4 stars; one submission).

Submission:

GeneDx
Classification: Uncertain significance. Last evaluated: 2024-10-14. Review status: criteria provided, single submitter. Criteria: GeneDx Variant Classification Process June 2021. Collection method: clinical testing. Allele origin: germline. Affected: yes.
Comment: Frameshift variant predicted to result in protein truncation or nonsense mediated decay in a gene or region of a gene for which loss of function is not a well-established mechanism of disease; Not observed at significant frequency in large population cohorts (gnomAD); Has not been previously published as pathogenic or benign to our knowledge